The following is an entry in ClinVar:

NM_001244008.2(KIF1A):c.3779G>A (p.Gly1260Glu)

Genes: KIF1A (kinesin family member 1A; minus strand), LOC126806583 (P300/CBP strongly-dependent group 1 enhancer GRCh37_chr2:241678910-241680109; plus strand). Cytogenetic location: 2q37.3.
Variant type: single nucleotide variant.
Coding change: c.3779G>A on transcript NM_001244008.2 (MANE Select); coding-DNA position 3779, G replaced by A.
Protein change: p.Gly1260Glu; replaces glycine 1260 with glutamic acid.
Molecular consequence: missense variant.
Genome position (GRCh38, 1-based): chr2:240,740,335, C>T on the plus strand (G>A on the coding strand, the complement: KIF1A is on the minus strand). VCF-style: chr2-240740335-C-T. GRCh37 (hg19) VCF-style: chr2-241679752-C-T.
Other names: c.3503G>A, p.Gly1168Glu (NM_001320705.2, NM_001330289.2, NM_001379638.1); c.3578G>A, p.Gly1193Glu (NM_001330290.2, NM_001379634.1, NM_001379635.1 and 1 more transcripts); c.3854G>A, p.Gly1285Glu (NM_001379631.1); c.3728G>A, p.Gly1243Glu (NM_001379632.1); c.3752G>A, p.Gly1251Glu (NM_001379633.1, NM_001379642.1, NM_001379645.1); c.3476G>A, p.Gly1159Glu (NM_001379636.1, NM_001379639.1, NM_001379641.1 and 5 more transcripts); c.3551G>A, p.Gly1184Glu (NM_001379637.1, NM_001379648.1); c.3473G>A, p.Gly1158Glu (NM_001379640.1); short protein forms G1184E, G1260E, G1285E, G1243E, G1251E, G1168E, G1193E, G1158E.
Identifiers: ClinVar variation 1385008 (VCV001385008.6), dbSNP rs2125745964, ClinGen allele CA351314879.

ClinVar aggregate classification (germline): Uncertain significance (1 of 4 stars; one submission).

Conditions:
Hereditary spastic paraplegia 30. Identifiers: Orphanet 101010, MedGen C5235139, MONDO:0012476.
Neuropathy, hereditary sensory, type 2C. Also called: Hereditary sensory and autonomic neuropathy type IIC; KIF1A-Related HSAN2 (HSAN2C). Identifiers: Orphanet 970, MedGen C3280168, MONDO:0013634, OMIM 614213.
Intellectual disability, autosomal dominant 9 (NESCAVS). Also called: NESCAV SYNDROME; KIF1A-Related Neurodevelopmental Disorder. Identifiers: Orphanet 662367, MedGen C5393830, MONDO:0013656, OMIM 614255.

Submission:

Labcorp Genetics (formerly Invitae), Labcorp
Classification: Uncertain significance for Hereditary spastic paraplegia 30; Neuropathy, hereditary sensory, type 2C; Intellectual disability, autosomal dominant 9. Last evaluated: 2021-10-07. Review status: criteria provided, single submitter. Criteria: Invitae Variant Classification Sherloc (09022015). Collection method: clinical testing. Allele origin: germline.
Comment: This sequence change replaces glycine with glutamic acid at codon 1159 of the KIF1A protein (p.Gly1159Glu). The glycine residue is highly conserved and there is a moderate physicochemical difference between glycine and glutamic acid. This variant is not present in population databases (ExAC no frequency). In summary, the available evidence is currently insufficient to determine the role of this variant in disease. Therefore, it has been classified as a Variant of Uncertain Significance. Advanced modeling of protein sequence and biophysical properties (such as structural, functional, and spatial information, amino acid conservation, physicochemical variation, residue mobility, and thermodynamic stability) performed at Invitae indicates that this missense variant is not expected to disrupt KIF1A protein function. This variant has not been reported in the literature in individuals affected with KIF1A-related conditions.